The following is an entry in ClinVar:

ClinVar aggregate classification (germline): Uncertain significance (1 of 4 stars; one submission).

Submission:

GeneDx
Classification: Uncertain significance. Last evaluated: 2020-12-01. Review status: criteria provided, single submitter. Criteria: GeneDx Variant Classification Process June 2021. Collection method: clinical testing. Allele origin: germline. Affected: yes.
Comment: Has not been previously published as pathogenic or benign to our knowledge; Not observed in large population cohorts (Lek 2016); In silico analysis supports that this missense variant does not alter protein structure/function

NM_006947.4(SRP72):c.1388A>C (p.Lys463Thr)

Gene: SRP72 (signal recognition particle 72; plus strand). Cytogenetic location: 4q12.
Variant type: single nucleotide variant.
Coding change: c.1388A>C on transcript NM_006947.4 (MANE Select); coding-DNA position 1388, A replaced by C.
Protein change: p.Lys463Thr; replaces lysine 463 with threonine.
Molecular consequence: missense variant. On other transcripts: non-coding transcript variant (1).
Genome position (GRCh38, 1-based): chr4:56,490,400, A>C. VCF-style: chr4-56490400-A-C. GRCh37 (hg19) VCF-style: chr4-57356566-A-C.
Other names: c.1205A>C, p.Lys402Thr (NM_001267722.2); short protein forms K402T, K463T.
Identifiers: ClinVar variation 1313719 (VCV001313719.2), dbSNP rs2110127031, ClinGen allele CA357001612.